The following is an entry in ClinVar:

NM_000059.4(BRCA2):c.4790C>T (p.Ser1597Phe)

Gene: BRCA2 (BRCA2 DNA repair associated; plus strand). Cytogenetic location: 13q13.1.
Variant type: single nucleotide variant.
Coding change: c.4790C>T on transcript NM_000059.4 (MANE Select); coding-DNA position 4790, C replaced by T.
Protein change: p.Ser1597Phe; replaces serine 1597 with phenylalanine.
Molecular consequence: missense variant.
Genome position (GRCh38, 1-based): chr13:32,339,145, C>T. VCF-style: chr13-32339145-C-T. GRCh37 (hg19) VCF-style: chr13-32913282-C-T.
Other names: short protein forms S1597F.
Identifiers: ClinVar variation 825172 (VCV000825172.18), dbSNP rs876660146, ClinGen allele CA387783237.

ClinVar aggregate classification (germline): Conflicting classifications of pathogenicity. Review status: criteria provided, conflicting classifications (1 of 4 stars). 5 submissions from 5 submitters: Uncertain significance (4); Likely benign (1). Last evaluated 2024-02-22.

Conditions:
BRCA2-related cancer predisposition. Identifiers: MedGen CN377758, MONDO:0700269.
Hereditary breast ovarian cancer syndrome. Also called: Hereditary breast and ovarian cancer syndrome; Hereditary breast and ovarian cancer; Hereditary breast and ovarian cancer syndrome (HBOC); Breast and ovarian cancer; Hereditary breast and/or ovarian cancer syndrome; BRCA1- and BRCA2-Associated Hereditary Breast and Ovarian Cancer. Identifiers: Orphanet 145, MedGen C0677776, MeSH D061325, MONDO:0003582. Disease mechanism: loss of function.
Hereditary cancer-predisposing syndrome. Also called: Neoplastic Syndromes, Hereditary; Tumor predisposition; Hereditary neoplastic syndrome; Hereditary Cancer Syndrome. Identifiers: Orphanet 140162, MedGen C0027672, MeSH D009386, MONDO:0015356.

Submissions (5):

All of Us Research Program, National Institutes of Health
Classification: Uncertain significance for BRCA2-related cancer predisposition. Last evaluated: 2024-02-22. Review status: criteria provided, single submitter. Criteria: ACMG Guidelines, 2015. Collection method: clinical testing. Allele origin: germline. Inheritance: Autosomal dominant inheritance. Observed: 1 variant allele, 1 heterozygote.
Comment: This missense variant replaces serine with phenylalanine at codon 1597 of the BRCA2 protein. Computational prediction tools and conservation analyses suggest that this variant may not impact protein structure and function. Splice site prediction tools suggest that this variant may not impact RNA splicing. To our knowledge, functional studies have not been performed for this variant. This variant has not been reported in individuals affected with hereditary cancer in the literature. This variant has not been identified in the general population by the Genome Aggregation Database (gnomAD). The available evidence is insufficient to determine the role of this variant in disease conclusively. Therefore, this variant is classified as a Variant of Uncertain Significance.

This study involves interpretation of variants in research participants for the purpose of population health screening. Participant phenotype was not available at the time of variant classification. Additional details can be found in publication PMID: 35346344, PMCID: PMC8962531

Color Diagnostics, LLC DBA Color Health
Classification: Uncertain significance for Hereditary cancer-predisposing syndrome. Last evaluated: 2024-01-31. Review status: criteria provided, single submitter. Criteria: ACMG Guidelines, 2015. Collection method: clinical testing. Allele origin: germline.
Comment: This missense variant replaces serine with phenylalanine at codon 1597 of the BRCA2 protein. Computational prediction tools and conservation analyses suggest that this variant may not impact protein structure and function. To our knowledge, functional studies have not been performed for this variant. This variant has not been reported in individuals affected with BRCA2-related cancer in the literature. This variant has not been identified in the general population by the Genome Aggregation Database (gnomAD). The available evidence is insufficient to determine the role of this variant in disease conclusively. Therefore, this variant is classified as a Variant of Uncertain Significance.

University of Washington Department of Laboratory Medicine, University of Washington
Classification: Likely benign for Hereditary cancer-predisposing syndrome. Last evaluated: 2023-03-23. Review status: criteria provided, single submitter. Criteria: Dines et al. (Genet Med. 2020). Collection method: curation. Allele origin: germline.
Comment: Missense variant in a coldspot region where missense variants are very unlikely to be pathogenic (PMID:31911673).

BRCA2 exon 11 coldspot. Reclassification based on statistical prior probability.

Labcorp Genetics (formerly Invitae), Labcorp
Classification: Uncertain significance for Hereditary breast ovarian cancer syndrome. Last evaluated: 2021-04-08. Review status: criteria provided, single submitter. Criteria: Invitae Variant Classification Sherloc (09022015). Collection method: clinical testing. Allele origin: germline.
Comment: In summary, the available evidence is currently insufficient to determine the role of this variant in disease. Therefore, it has been classified as a Variant of Uncertain Significance. Advanced modeling of protein sequence and biophysical properties (such as structural, functional, and spatial information, amino acid conservation, physicochemical variation, residue mobility, and thermodynamic stability) performed at Invitae indicates that this missense variant is not expected to disrupt BRCA2 protein function. This variant has not been reported in the literature in individuals with BRCA2-related conditions. ClinVar contains an entry for this variant (Variation ID: 825172). This variant is not present in population databases (ExAC no frequency). This sequence change replaces serine with phenylalanine at codon 1597 of the BRCA2 protein (p.Ser1597Phe). The serine residue is weakly conserved and there is a large physicochemical difference between serine and phenylalanine.

Ambry Genetics
Classification: Uncertain significance for Hereditary cancer-predisposing syndrome. Last evaluated: 2018-08-21. Review status: criteria provided, single submitter. Criteria: Ambry Variant Classification Scheme 2023. Collection method: clinical testing. Allele origin: germline.
Comment: The p.S1597F variant (also known as c.4790C>T), located in coding exon 10 of the BRCA2 gene, results from a C to T substitution at nucleotide position 4790. The serine at codon 1597 is replaced by phenylalanine, an amino acid with highly dissimilar properties. This amino acid position is not well conserved in available vertebrate species. In addition, this alteration is predicted to be tolerated by in silico analysis. Since supporting evidence is limited at this time, the clinical significance of this alteration remains unclear.